The following is an entry in ClinVar:

ClinVar aggregate classification (germline): Benign/Likely benign. Review status: criteria provided, multiple submitters, no conflicts (2 of 4 stars). 5 submissions from 5 submitters: Benign (4); Likely benign (1). Last evaluated 2026-07-01.

Conditions:
Inborn genetic diseases. Identifiers: MedGen C0950123, MeSH D030342.

Allele frequency attached by ClinVar (database versions not stated): gnomAD exomes 0.00021; ExAC 0.00029; 1000 Genomes Project 30x 0.00062; gnomAD 0.00074 and 0.00078; ESP Exome Variant Server 0.00076; TOPMed 0.00078; 1000 Genomes Project 0.00079.
gnomAD v4.1: 154 of 1,207,343 alleles (0.013%); highest among the groups gnomAD compares: African/African-American, 0.23%; 1 homozygote.

Submissions (5):

CeGaT Center for Human Genetics Tuebingen
Classification: Likely benign. Last evaluated: 2026-07-01. Review status: criteria provided, single submitter. Criteria: CeGaT Center For Human Genetics Tuebingen Variant Classification Criteria Version 2. Collection method: clinical testing. Allele origin: germline. Affected: yes. Observed: 2 variant alleles.
Comment: HUWE1: BP4, BP7, BS2

Labcorp Genetics (formerly Invitae), Labcorp
Classification: Benign. Last evaluated: 2026-01-09. Review status: criteria provided, single submitter. Criteria: Invitae Variant Classification Sherloc (09022015). Collection method: clinical testing. Allele origin: germline.

GeneDx
Classification: Benign. Last evaluated: 2018-11-30. Review status: criteria provided, single submitter. Criteria: GeneDx Variant Classification Process June 2021. Collection method: clinical testing. Allele origin: germline. Affected: yes.

Ambry Genetics
Classification: Benign for Inborn genetic diseases. Last evaluated: 2017-05-31. Review status: criteria provided, single submitter. Criteria: Ambry Variant Classification Scheme 2023. Collection method: clinical testing. Allele origin: germline.

Breakthrough Genomics
Classification: Benign. Review status: criteria provided, single submitter. Criteria: ACMG Guidelines, 2015. Collection method: not provided. Allele origin: germline. Inheritance: X-linked inheritance. Affected: yes.

NM_031407.7(HUWE1):c.12582C>G (p.Ala4194=)

Gene: HUWE1 (HECT, UBA and WWE domain containing E3 ubiquitin protein ligase 1; minus strand). Cytogenetic location: Xp11.22.
Variant type: single nucleotide variant.
Coding change: c.12582C>G on transcript NM_031407.7 (MANE Select); coding-DNA position 12582, C replaced by G.
Protein change: p.Ala4194=; no amino-acid change (alanine 4194 retained).
Molecular consequence: synonymous variant.
Genome position (GRCh38, 1-based): chrX:53,535,451, G>C on the plus strand (C>G on the coding strand, the complement: HUWE1 is on the minus strand). VCF-style: chrX-53535451-G-C. GRCh37 (hg19) VCF-style: chrX-53562412-G-C.
Identifiers: ClinVar variation 589181 (VCV000589181.18), dbSNP rs138323283, ClinGen allele CA10421179.
Genomic context (GRCh38, chrX:53,535,451, plus strand): 5'-TCTCATCTGGCATACCAGGTGTACATACTCCTTCTTATTCTCCTCTGTTACCAAGATGTT[G>C]GCCCCATTGGGTTTGAGGTCACGAACTTCACAAACTCCAAACTCTTGGACCTAGAACAAC-3'
Protein context (NP_113584.3, residues 4184-4204): CEVRDLKPNG[Ala4194=]NILVTEENKK